The following is an entry in ClinVar:

ClinVar aggregate classification (germline): Conflicting classifications of pathogenicity. Review status: criteria provided, conflicting classifications (1 of 4 stars). 2 submissions from 2 submitters: Uncertain significance (1); Likely benign (1). Last evaluated 2025-02-01.

Conditions:
Episodic kinesigenic dyskinesia (EKD). Also called: Paroxysmal kinesigenic dyskinesia. Identifiers: Orphanet 98809, MedGen C1868682, MONDO:0044202.

Allele frequency attached by ClinVar (database versions not stated): TOPMed 0.00002; gnomAD 0.00003; 1000 Genomes Project 0.00020; 1000 Genomes Project 30x 0.00031.

Submissions (2):

Labcorp Genetics (formerly Invitae), Labcorp
Classification: Uncertain significance for Episodic kinesigenic dyskinesia. Last evaluated: 2025-02-01. Review status: criteria provided, single submitter. Criteria: Invitae Variant Classification Sherloc (09022015). Collection method: clinical testing. Allele origin: germline.
Comment: This sequence change replaces histidine, which is basic and polar, with glutamine, which is neutral and polar, at codon 201 of the PRRT2 protein (p.His201Gln). This variant is present in population databases (rs543313284, gnomAD 0.003%). This variant has not been reported in the literature in individuals affected with PRRT2-related conditions. ClinVar contains an entry for this variant (Variation ID: 206685). Invitae Evidence Modeling of protein sequence and biophysical properties (such as structural, functional, and spatial information, amino acid conservation, physicochemical variation, residue mobility, and thermodynamic stability) indicates that this missense variant is not expected to disrupt PRRT2 protein function with a negative predictive value of 95%. In summary, the available evidence is currently insufficient to determine the role of this variant in disease. Therefore, it has been classified as a Variant of Uncertain Significance.

GeneDx
Classification: Likely benign. Last evaluated: 2020-02-04. Review status: criteria provided, single submitter. Criteria: GeneDx Variant Classification Process June 2021. Collection method: clinical testing. Allele origin: germline. Affected: yes.

NM_145239.3(PRRT2):c.603C>G (p.His201Gln)

Genes: MVP-DT (MVP divergent transcript; minus strand), PRRT2 (proline rich transmembrane protein 2; plus strand). Cytogenetic location: 16p11.2.
Variant type: single nucleotide variant.
Coding change: c.603C>G on transcript NM_145239.3 (MANE Select); coding-DNA position 603, C replaced by G.
Protein change: p.His201Gln; replaces histidine 201 with glutamine.
Molecular consequence: missense variant.
Genome position (GRCh38, 1-based): chr16:29,813,657, C>G. VCF-style: chr16-29813657-C-G. GRCh37 (hg19) VCF-style: chr16-29824978-C-G.
Other names: p.H201Q:CAC>CAG; c.603C>G, p.His201Gln (NM_001256442.2, NM_001256443.2); short protein forms H201Q.
Identifiers: ClinVar variation 206685 (VCV000206685.15), dbSNP rs543313284, ClinGen allele CA317023.
Genomic context (GRCh38, chr16:29,813,657, plus strand): 5'-TGGGGCAGTGGTGCCCCTGCAGGCTGGTGATGGGGAAGAGGGCCCAGCCCCTGAGCCTCA[C>G]TCACCACCCTCAAAAAAATCCCCCCCAGCCAATGGGGCCCCCCCCCGAGTGCTGCAGCAG-3'
Protein context (NP_660282.2, residues 191-211): DGEEGPAPEP[His201Gln]SPPSKKSPPA